The following is an entry in ClinVar:

ClinVar aggregate classification (germline): Uncertain significance (1 of 4 stars; one submission).

Submission:

Women's Health and Genetics/Laboratory Corporation of America, LabCorp
Classification: Uncertain significance. Last evaluated: 2026-03-18. Review status: criteria provided, single submitter. Criteria: LabCorp Variant Classification Summary - May 2015. Collection method: clinical testing. Allele origin: germline.
Comment: Variant summary: DES c.1321C>T (p.His441Tyr) results in a conservative amino acid change in the encoded protein sequence. Algorithms developed to predict the effect of missense changes on protein structure and function are either unavailable or do not agree on the potential impact of this missense change. The frequency data for this variant in gnomAD is considered unreliable, as metrics indicate poor data quality at this position. To our knowledge, no occurrence of c.1321C>T in individuals affected with DES-related conditions and no experimental evidence demonstrating its impact on protein function have been reported. No submitters have cited clinical-significance assessments for this variant to ClinVar. Based on the evidence outlined above, the variant was classified as uncertain significance.

NM_001927.4(DES):c.1321C>T (p.His441Tyr)

Gene: DES (desmin; plus strand). Cytogenetic location: 2q35.
Variant type: single nucleotide variant.
Coding change: c.1321C>T on transcript NM_001927.4 (MANE Select); coding-DNA position 1321, C replaced by T.
Protein change: p.His441Tyr; replaces histidine 441 with tyrosine.
Molecular consequence: missense variant.
Genome position (GRCh38, 1-based): chr2:219,425,695, C>T. VCF-style: chr2-219425695-C-T. GRCh37 (hg19) VCF-style: chr2-220290417-C-T.
Other names: c.1318C>T, p.His440Tyr (NM_001382708.1); c.889C>T, p.His297Tyr (NM_001382709.1); c.1252C>T, p.His418Tyr (NM_001382710.1); c.1300C>T, p.His434Tyr (NM_001382711.1); c.1321C>T, p.His441Tyr (NM_001382712.1); c.1051C>T, p.His351Tyr (NM_001382713.1); short protein forms H297Y, H351Y, H418Y, H434Y, H440Y, H441Y.
Identifiers: ClinVar variation 4847132 (VCV004847132.1).
Genomic context (GRCh38, chr2:219,425,695, plus strand): 5'-GCTGAGTGTGCGATGGACCCTGTTACAGAAACCAGCCCTGAGCAAAGGGGTTCTGAGGTC[C>T]ATACCAAGAAGACGGTGATGATCAAGACCATCGAGACACGGGATGGGGAGGTAAGTGGTC-3'
Protein context (NP_001918.3, residues 431-451): TSPEQRGSEV[His441Tyr]TKKTVMIKTI